The following is an entry in ClinVar:

ClinVar aggregate classification (germline): Uncertain significance (1 of 4 stars; one submission).

Conditions:
Left ventricular noncompaction 7 (LVNC7). Identifiers: Orphanet 54260, MedGen C3554496, MONDO:0014042, OMIM 615092.

gnomAD v4.1: 12 of 1,599,490 alleles (0.00075%); highest among the groups gnomAD compares: Non-Finnish European, 0.001%; no homozygotes.

Submission:

Victorian Clinical Genetics Services, Murdoch Childrens Research Institute
Classification: Uncertain significance for Left ventricular noncompaction 7. Last evaluated: 2021-05-06. Review status: criteria provided, single submitter. Criteria: ACMG Guidelines, 2015. Collection method: clinical testing. Allele origin: germline. Inheritance: Autosomal dominant inheritance.
Comment: Based on the classification scheme VCGS_Germline_v1.3.4, this variant is classified as VUS-3B. Following criteria are met: 0105 - The mechanism of disease for this gene is not clearly established. However, loss-of-function variants have been reported in a cohort of individuals with developmental disorders and a single individual with congenital heart disease (PMID: 33057194, 30322850). (I) 0107 - This gene is associated with autosomal dominant disease. (I) 0200 - Variant is predicted to result in a missense amino acid change from alanine to threonine. (I) 0251 - This variant is heterozygous. (I) 0301 - Variant is absent from gnomAD (both v2 and v3). (SP) 0309 - An alternative amino acid change at the same position has been observed in gnomAD (v3: 5 heterozygotes, 0 homozygotes). (I) 0503 - Missense variant consistently predicted to be tolerated by multiple in silico tools or not conserved in placental mammals with a minor amino acid change. (SB) 0600 - Variant is located in the annotated MIB/HERC2 domain (Uniprot). (I) 0710 - Another missense variant comparable to the one identified in this case has inconclusive previous evidence for pathogenicity. p.(Ala148Ser) has been classified as a VUS by a diagnostic laboratory in ClinVar. (I) 0807 - This variant has no previous evidence of pathogenicity. (I) 0905 - No published segregation evidence has been identified for this variant. (I) 1007 - No published functional evidence has been identified for this variant. (I) 1208 - Inheritance information for this variant is not currently available in this individual. (I) Legend: (SP) - Supporting pathogenic, (I) - Information, (SB) - Supporting benign

Literature cited by the submitters: PubMed 30322850; PubMed 33057194.

NM_020774.4(MIB1):c.442G>A (p.Ala148Thr)

Gene: MIB1 (MIB E3 ubiquitin protein ligase 1; plus strand). Cytogenetic location: 18q11.2.
Variant type: single nucleotide variant.
Coding change: c.442G>A on transcript NM_020774.4 (MANE Select); coding-DNA position 442, G replaced by A.
Protein change: p.Ala148Thr; replaces alanine 148 with threonine.
Molecular consequence: missense variant.
Genome position (GRCh38, 1-based): chr18:21,768,663, G>A. VCF-style: chr18-21768663-G-A. GRCh37 (hg19) VCF-style: chr18-19348624-G-A.
Other names: short protein forms A148T.
Identifiers: ClinVar variation 1699081 (VCV001699081.3), dbSNP rs369261422, ClinGen allele CA401761537.